The following is an entry in ClinVar:

ClinVar aggregate classification (germline): Uncertain significance (1 of 4 stars; one submission).

Conditions:
Congenital insensitivity to pain-hypohidrosis syndrome. Also called: HSAN VIII; Neuropathy, hereditary sensory and autonomic, type VIII. Identifiers: Orphanet 478664, MedGen C4225308, MONDO:0014662, OMIM 616488.

Allele frequency attached by ClinVar (database versions not stated): TOPMed 0.00001.
gnomAD v4.1: 3 of 1,214,760 alleles (0.00025%); highest among the groups gnomAD compares: Non-Finnish European, 0.00031%; no homozygotes.

Submission:

Labcorp Genetics (formerly Invitae), Labcorp
Classification: Uncertain significance for Congenital insensitivity to pain-hypohidrosis syndrome. Last evaluated: 2022-05-30. Review status: criteria provided, single submitter. Criteria: Invitae Variant Classification Sherloc (09022015). Collection method: clinical testing. Allele origin: germline.
Comment: This sequence change replaces serine, which is neutral and polar, with leucine, which is neutral and non-polar, at codon 334 of the PRDM12 protein (p.Ser334Leu). The frequency data for this variant in the population databases is considered unreliable, as metrics indicate insufficient coverage at this position in the gnomAD database. This variant has not been reported in the literature in individuals affected with PRDM12-related conditions. Algorithms developed to predict the effect of missense changes on protein structure and function are either unavailable or do not agree on the potential impact of this missense change (SIFT: "Deleterious"; PolyPhen-2: "Not Available"; Align-GVGD: "Class C0"). In summary, the available evidence is currently insufficient to determine the role of this variant in disease. Therefore, it has been classified as a Variant of Uncertain Significance.

NM_021619.3(PRDM12):c.1001C>T (p.Ser334Leu)

Gene: PRDM12 (PR/SET domain 12; plus strand). Cytogenetic location: 9q34.12.
Variant type: single nucleotide variant.
Coding change: c.1001C>T on transcript NM_021619.3 (MANE Select); coding-DNA position 1001, C replaced by T.
Protein change: p.Ser334Leu; replaces serine 334 with leucine.
Molecular consequence: missense variant.
Genome position (GRCh38, 1-based): chr9:130,681,566, C>T. VCF-style: chr9-130681566-C-T. GRCh37 (hg19) VCF-style: chr9-133556953-C-T.
Other names: short protein forms S334L.
Identifiers: ClinVar variation 2148033 (VCV002148033.4), dbSNP rs1830902219, ClinGen allele CA375245154.